The following is an entry in ClinVar:

ClinVar aggregate classification (germline): Uncertain significance (1 of 4 stars; one submission).

Allele frequency attached by ClinVar (database versions not stated): ExAC 0.00001.
gnomAD v4.1: 2 of 1,613,766 alleles (0.00012%); highest among the groups gnomAD compares: Non-Finnish European, 0.00017%; no homozygotes.

Submission:

Women's Health and Genetics/Laboratory Corporation of America, LabCorp
Classification: Uncertain significance. Last evaluated: 2023-06-23. Review status: criteria provided, single submitter. Criteria: LabCorp Variant Classification Summary - May 2015. Collection method: clinical testing. Allele origin: germline.
Comment: Variant summary: DLG4 c.980C>T (p.Thr327Ile) results in a non-conservative amino acid change located in the PDZ domain (IPR001478) of the encoded protein sequence. Three of five in-silico tools predict a benign effect of the variant on protein function. The variant allele was found at a frequency of 4e-06 in 248506 control chromosomes. The available data on variant occurrences in the general population are insufficient to allow any conclusion about variant significance. To our knowledge, no occurrence of c.980C>T in individuals affected with Intellectual Developmental Disorder 62 and no experimental evidence demonstrating its impact on protein function have been reported. No submitters have cited clinical-significance assessments for this variant to ClinVar after 2014. Based on the evidence outlined above, the variant was classified as uncertain significance.

NM_001321075.3(DLG4):c.851C>T (p.Thr284Ile)

Genes: DLG4 (discs large MAGUK scaffold protein 4; minus strand), LOC126862479 (MED14-independent group 3 enhancer GRCh37_chr17:7099412-7100611; plus strand). Cytogenetic location: 17p13.1.
Variant type: single nucleotide variant.
Coding change: c.851C>T on transcript NM_001321075.3 (MANE Select); coding-DNA position 851, C replaced by T.
Protein change: p.Thr284Ile; replaces threonine 284 with isoleucine.
Molecular consequence: missense variant. On other transcripts: non-coding transcript variant (1).
Genome position (GRCh38, 1-based): chr17:7,196,989, G>A on the plus strand (C>T on the coding strand, the complement: DLG4 is on the minus strand). VCF-style: chr17-7196989-G-A. GRCh37 (hg19) VCF-style: chr17-7100308-G-A.
Other names: c.842C>T, p.Thr281Ile (NM_001128827.4); c.971C>T, p.Thr324Ile (NM_001321074.1); c.671C>T, p.Thr224Ile (NM_001321076.3, NM_001321077.3); c.980C>T, p.Thr327Ile (NM_001365.5); c.770C>T, p.Thr257Ile (NM_001369566.3); short protein forms T224I, T257I, T281I, T284I, T324I, T327I.
Identifiers: ClinVar variation 2573466 (VCV002573466.1), dbSNP rs780093933, ClinGen allele CA8337085.
Genomic context (GRCh38, chr17:7,196,989, plus strand): 5'-TCCCCGAGCAGGTCCTTGGCCACTGGAGAGTAGCGCCGAGGGGAAGTGGGGGTCATGGCT[G>A]TGGGGTAGTCGGTGCCCAGGTAGCTGCTGTGACTGATCTCATTGTCCAGGTGCTGGGAAT-3'
Protein context (NP_001308004.1, residues 274-294): HSSYLGTDYP[Thr284Ile]AMTPTSPRRY